The following is an entry in ClinVar:

NM_024577.4(SH3TC2):c.1463A>G (p.Asp488Gly)

Gene: SH3TC2 (SH3 domain and tetratricopeptide repeats 2; minus strand). Cytogenetic location: 5q32.
Variant type: single nucleotide variant.
Coding change: c.1463A>G on transcript NM_024577.4 (MANE Select); coding-DNA position 1463, A replaced by G.
Protein change: p.Asp488Gly; replaces aspartic acid 488 with glycine.
Molecular consequence: missense variant.
Genome position (GRCh38, 1-based): chr5:149,028,269, T>C on the plus strand (A>G on the coding strand, the complement: SH3TC2 is on the minus strand). VCF-style: chr5-149028269-T-C. GRCh37 (hg19) VCF-style: chr5-148407832-T-C.
Other names: short protein forms D488G.
Identifiers: ClinVar variation 1416606 (VCV001416606.6), dbSNP rs1416723910, ClinGen allele CA361668469.

ClinVar aggregate classification (germline): Uncertain significance (1 of 4 stars; one submission).

Conditions:
Charcot-Marie-Tooth disease type 4. Also called: Charcot-Marie-Tooth disease, type IV; Charcot-Marie-Tooth, Type 4. Identifiers: Orphanet 64749, MedGen C4082197, MONDO:0018995.

gnomAD v4.1: 24 of 1,613,924 alleles (0.0015%); highest among the groups gnomAD compares: Non-Finnish European, 0.002%; no homozygotes.

Submission:

Labcorp Genetics (formerly Invitae), Labcorp
Classification: Uncertain significance for Charcot-Marie-Tooth disease type 4. Last evaluated: 2025-10-22. Review status: criteria provided, single submitter. Criteria: Invitae Variant Classification Sherloc (09022015). Collection method: clinical testing. Allele origin: germline.
Comment: This sequence change replaces aspartic acid, which is acidic and polar, with glycine, which is neutral and non-polar, at codon 488 of the SH3TC2 protein (p.Asp488Gly). This variant is not present in population databases (gnomAD no frequency). This variant has not been reported in the literature in individuals affected with SH3TC2-related conditions. ClinVar contains an entry for this variant (Variation ID: 1416606). Invitae Evidence Modeling of protein sequence and biophysical properties (such as structural, functional, and spatial information, amino acid conservation, physicochemical variation, residue mobility, and thermodynamic stability) indicates that this missense variant is not expected to disrupt SH3TC2 protein function with a negative predictive value of 95%. In summary, the available evidence is currently insufficient to determine the role of this variant in disease. Therefore, it has been classified as a Variant of Uncertain Significance.